The following is an entry in ClinVar:

ClinVar aggregate classification (germline): Uncertain significance. Review status: criteria provided, multiple submitters, no conflicts (2 of 4 stars). 2 submissions from 2 submitters: Uncertain significance (2). Last evaluated 2023-09-01.

Conditions:
Nephrolithiasis susceptibility caused by SLC26A1 (CAON1). Also called: NEPHROLITHIASIS, CALCIUM OXALATE, 1. Identifiers: MedGen C5779632, MONDO:0020722, OMIM 167030.

Allele frequency attached by ClinVar (database versions not stated): gnomAD 0.00002; ExAC 0.00005.
gnomAD v4.1: 35 of 1,564,036 alleles (0.0022%); highest among the groups gnomAD compares: Admixed American, 0.0058%; no homozygotes.

Submissions (2):

Labcorp Genetics (formerly Invitae), Labcorp
Classification: Uncertain significance. Last evaluated: 2023-09-01. Review status: criteria provided, single submitter. Criteria: Invitae Variant Classification Sherloc (09022015). Collection method: clinical testing. Allele origin: germline.
Comment: In summary, the available evidence is currently insufficient to determine the role of this variant in disease. Therefore, it has been classified as a Variant of Uncertain Significance. This sequence change replaces glycine, which is neutral and non-polar, with serine, which is neutral and polar, at codon 243 of the SLC26A1 protein (p.Gly243Ser). This variant is present in population databases (rs756823579, gnomAD 0.009%). This variant has not been reported in the literature in individuals affected with SLC26A1-related conditions. Advanced modeling of protein sequence and biophysical properties (such as structural, functional, and spatial information, amino acid conservation, physicochemical variation, residue mobility, and thermodynamic stability) performed at Invitae indicates that this missense variant is expected to disrupt SLC26A1 protein function.

Neuberg Centre For Genomic Medicine, NCGM
Classification: Uncertain significance for Nephrolithiasis susceptibility caused by SLC26A1. Review status: criteria provided, single submitter. Criteria: ACMG Guidelines, 2015. Collection method: clinical testing. Allele origin: germline. Inheritance: Autosomal recessive inheritance. Affected: yes.
Comment: The missense c.727G>Ap.Gly243Ser variant in SLC26A1 gene has not been reported previously as a pathogenic variant nor as a benign variant, to our knowledge. This variant is reported with the allele frequency of 0.002% in the gnomAD Exomes and novel in 1000 Genomes. The amino acid Gly at position 243 is changed to a Ser changing protein sequence and it might alter its composition and physico-chemical properties. The amino acid change p.Gly243Ser in SLC26A1 is predicted as conserved by GERP++ and PhyloP across 100 vertebrates. The variant is predicted as damaging by SIFT. For these reasons, this variant has been classified as Uncertain Significance.

NM_022042.4(SLC26A1):c.727G>A (p.Gly243Ser)

Genes: IDUA (alpha-L-iduronidase; plus strand), SLC26A1 (solute carrier family 26 member 1; minus strand). Cytogenetic location: 4p16.3.
Variant type: single nucleotide variant.
Coding change: c.727G>A on transcript NM_022042.4 (MANE Select); coding-DNA position 727, G replaced by A.
Protein change: p.Gly243Ser; replaces glycine 243 with serine.
Molecular consequence: missense variant. On other transcripts: intron variant (2).
Genome position (GRCh38, 1-based): chr4:990,212, C>T on the plus strand (G>A on the coding strand, the complement: SLC26A1 is on the minus strand). VCF-style: chr4-990212-C-T. GRCh37 (hg19) VCF-style: chr4-984000-C-T.
Other names: c.727G>A, p.Gly243Ser (NM_213613.4); c.576+916G>A (NM_134425.4); c.299+2263C>T (NM_000203.5); short protein forms G243S.
Identifiers: ClinVar variation 2960922 (VCV002960922.4), dbSNP rs756823579, ClinGen allele CA2801562.